The following is an entry in ClinVar:

ClinVar aggregate classification (germline): Uncertain significance (1 of 4 stars; one submission).

Conditions:
Fetal akinesia deformation sequence 1 (FADS1). Also called: Fetal akinesia sequence; Pena-Shokeir syndrome type I. Identifiers: Orphanet 994, MedGen C1276035, MONDO:0100101, OMIM 208150, HP:0001989.
Congenital myasthenic syndrome 10. Also called: Myasthenia, limb-girdle, familial. Identifiers: Orphanet 590, MedGen C1850792, MONDO:0009690, OMIM 254300.

Submission:

Labcorp Genetics (formerly Invitae), Labcorp
Classification: Uncertain significance for Congenital myasthenic syndrome 10; Fetal akinesia deformation sequence 1. Last evaluated: 2021-12-08. Review status: criteria provided, single submitter. Criteria: Invitae Variant Classification Sherloc (09022015). Collection method: clinical testing. Allele origin: germline.
Comment: In summary, the available evidence is currently insufficient to determine the role of this variant in disease. Therefore, it has been classified as a Variant of Uncertain Significance. Variants that disrupt the consensus splice site are a relatively common cause of aberrant splicing (PMID: 17576681, 9536098). Algorithms developed to predict the effect of sequence changes on RNA splicing suggest that this variant may disrupt the consensus splice site. This variant has not been reported in the literature in individuals affected with DOK7-related conditions. This variant is not present in population databases (gnomAD no frequency). This variant results in the deletion of part of exon 7 (c.773-8_797del) of the DOK7 gene. While this variant is not anticipated to result in nonsense mediated decay, it likely alters RNA splicing and results in a disrupted protein product.

Literature cited by the submitters: PubMed 17576681; PubMed 9536098.

NM_173660.5(DOK7):c.773-8_797del

Gene: DOK7 (docking protein 7; plus strand). Cytogenetic location: 4p16.3.
Variant type: Deletion.
Coding change: c.773-8_797del on transcript NM_173660.5 (MANE Select); 8 bases into the intron before coding-DNA position 773 through coding-DNA position 797, 33 bases deleted.
Molecular consequence: splice acceptor variant.
Genome position (GRCh38, 1-based): chr4:3,492,751-3,492,783, 33 bases deleted; deleting any 33 consecutive bases within chr4:3,492,747-3,492,783 gives the same sequence; the c. name uses the placement nearest the transcript's 3' end. GRCh37 (hg19): chr4:3,494,478-3,494,510.
Other names: c.773-8_797del (NM_001301071.2); c.341-8_365del (NM_001363811.2); c.762-8_*18del (NM_001164673.2); c.-158-8_-134del (NM_001256896.2).
Identifiers: ClinVar variation 2037082 (VCV002037082.4), dbSNP rs2475109289, ClinGen allele CA2580070724.
Genomic context (GRCh38, chr4:3,492,746, plus strand): 5'-CACCAGGCATCAGCCACGTCCTGCCCAGACCCCTGTACCCCCACAACTGCCTTGGCTTCC[TGCTCTGTCTCAGGGGATGACCGCAGCCTGTCCA>T]GCTCATCCTCAGAGGCCAGTCACTTGGACGTCAGCGCCAGCAGCCGGCTCACCGCATGGC-3'